The following is an entry in ClinVar:

NM_000337.6(SGCD):c.620G>T (p.Gly207Val)

Gene: SGCD (sarcoglycan delta; plus strand). Cytogenetic location: 5q33.3.
Variant type: single nucleotide variant.
Coding change: c.620G>T on transcript NM_000337.6 (MANE Select); coding-DNA position 620, G replaced by T.
Protein change: p.Gly207Val; replaces glycine 207 with valine.
Molecular consequence: missense variant.
Genome position (GRCh38, 1-based): chr5:156,757,625, G>T. VCF-style: chr5-156757625-G-T. GRCh37 (hg19) VCF-style: chr5-156184636-G-T.
Other names: c.617G>T, p.Gly206Val (NM_001128209.2); c.620G>T, p.Gly207Val (NM_172244.3); short protein forms G207V, G206V.
Identifiers: ClinVar variation 3440550 (VCV003440550.1).
Genomic context (GRCh38, chr5:156,757,625, plus strand): 5'-CTTGGGTGTTTTTCAGGTTGGAGTCCCCAACCCGGTCTCTAGTGATGGAGGCCCCAAAAG[G>T]AGTGGAAATCAATGCAGAAGCTGGCAATATGGAAGCCACCTGCAGGACAGAGCTGAGACT-3'
Protein context (NP_000328.2, residues 197-217): TRSLVMEAPK[Gly207Val]VEINAEAGNM

ClinVar aggregate classification (germline): Uncertain significance (1 of 4 stars; one submission).

Conditions:
Inborn genetic diseases. Identifiers: MedGen C0950123, MeSH D030342.

gnomAD v4.1: 3 of 1,611,832 alleles (0.00019%); highest among the groups gnomAD compares: Non-Finnish European, 0.00025%; no homozygotes.

Submission:

Ambry Genetics
Classification: Uncertain significance for Inborn genetic diseases. Last evaluated: 2024-09-20. Review status: criteria provided, single submitter. Criteria: Ambry Variant Classification Scheme 2023. Collection method: clinical testing. Allele origin: germline.
Comment: The p.G207V variant (also known as c.620G>T), located in coding exon 7 of the SGCD gene, results from a G to T substitution at nucleotide position 620. The glycine at codon 207 is replaced by valine, an amino acid with dissimilar properties. This amino acid position is conserved. In addition, this alteration is predicted to be deleterious by in silico analysis. Based on the available evidence, the clinical significance of this variant remains unclear.